The following is an entry in ClinVar:

NM_001308093.3(GATA4):c.55G>A (p.Glu19Lys)

Gene: GATA4 (GATA binding protein 4). Cytogenetic location: 8p23.1.
Variant type: single nucleotide variant.
Coding change: c.55G>A on transcript NM_001308093.3 (MANE Select); coding-DNA position 55, G replaced by A.
Protein change: p.Glu19Lys; replaces glutamic acid 19 with lysine.
Molecular consequence: missense variant. On other transcripts: intron variant (3).
Genome position (GRCh38, 1-based): chr8:11,708,367, G>A. VCF-style: chr8-11708367-G-A. GRCh37 (hg19) VCF-style: chr8-11565876-G-A.
Other names: c.55G>A, p.Glu19Lys (NM_002052.5); c.-6+7589G>A (NM_001308094.2); c.-3+353G>A (NM_001374274.1); c.-3+4063G>A (NM_001374273.1); short protein forms E19K.
Identifiers: ClinVar variation 1481834 (VCV001481834.8), dbSNP rs1139240, ClinGen allele CA370308657.

ClinVar aggregate classification (germline): Uncertain significance (1 of 4 stars; one submission).

Conditions:
Atrioventricular septal defect 4 (AVSD4). Identifiers: MedGen C3280781, MONDO:0013747, OMIM 614430.

Allele frequency attached by ClinVar (database versions not stated): gnomAD 0.00001; gnomAD exomes 0.00001.

Submission:

Labcorp Genetics (formerly Invitae), Labcorp
Classification: Uncertain significance for Atrioventricular septal defect 4. Last evaluated: 2021-07-23. Review status: criteria provided, single submitter. Criteria: Invitae Variant Classification Sherloc (09022015). Collection method: clinical testing. Allele origin: germline.
Comment: In summary, the available evidence is currently insufficient to determine the role of this variant in disease. Therefore, it has been classified as a Variant of Uncertain Significance. Algorithms developed to predict the effect of missense changes on protein structure and function (SIFT, PolyPhen-2, Align-GVGD) all suggest that this variant is likely to be tolerated. This variant has not been reported in the literature in individuals affected with GATA4-related conditions. This variant is not present in population databases (ExAC no frequency). This sequence change replaces glutamic acid with lysine at codon 19 of the GATA4 protein (p.Glu19Lys). The glutamic acid residue is moderately conserved and there is a small physicochemical difference between glutamic acid and lysine.